The following is an entry in ClinVar:

ClinVar aggregate classification (germline): Uncertain significance (1 of 4 stars; one submission).

Conditions:
RASopathy. Also called: Noonan spectrum disorder; rasopathies. Identifiers: Orphanet 536391, MedGen C5555857, MONDO:0021060.

gnomAD v4.1: 1 of 1,614,206 alleles (0.000062%); no homozygotes.

Submission:

Labcorp Genetics (formerly Invitae), Labcorp
Classification: Uncertain significance for RASopathy. Last evaluated: 2021-11-01. Review status: criteria provided, single submitter. Criteria: Invitae Variant Classification Sherloc (09022015). Collection method: clinical testing. Allele origin: germline.
Comment: In summary, the available evidence is currently insufficient to determine the role of this variant in disease. Therefore, it has been classified as a Variant of Uncertain Significance. Advanced modeling of protein sequence and biophysical properties (such as structural, functional, and spatial information, amino acid conservation, physicochemical variation, residue mobility, and thermodynamic stability) performed at Invitae indicates that this missense variant is not expected to disrupt CBL protein function. This variant has not been reported in the literature in individuals affected with CBL-related conditions. This variant is not present in population databases (gnomAD no frequency). This sequence change replaces aspartic acid, which is acidic and polar, with asparagine, which is neutral and polar, at codon 772 of the CBL protein (p.Asp772Asn).

NM_005188.4(CBL):c.2314G>A (p.Asp772Asn)

Gene: CBL (Cbl proto-oncogene; plus strand). Cytogenetic location: 11q23.3.
Variant type: single nucleotide variant.
Coding change: c.2314G>A on transcript NM_005188.4 (MANE Select); coding-DNA position 2314, G replaced by A.
Protein change: p.Asp772Asn; replaces aspartic acid 772 with asparagine.
Molecular consequence: missense variant.
Genome position (GRCh38, 1-based): chr11:119,298,420, G>A. VCF-style: chr11-119298420-G-A. GRCh37 (hg19) VCF-style: chr11-119169130-G-A.
Other names: short protein forms D772N.
Identifiers: ClinVar variation 1500980 (VCV001500980.6), dbSNP rs1950078039, ClinGen allele CA382929363.
Genomic context (GRCh38, chr11:119,298,420, plus strand): 5'-GAAGGGAATTTGGCCGCAGCCCATGCCAACACTGGTCCCGAGGAGTCAGAAAATGAGGAT[G>A]ATGGGTATGATGTCCCAAAGCCACCTGTGCCGGCCGTGCTGGCCCGCCGAACTCTCTCAG-3'
Protein context (NP_005179.2, residues 762-782): TGPEESENED[Asp772Asn]GYDVPKPPVP